The following is an entry in ClinVar:

ClinVar aggregate classification (germline): Uncertain significance (1 of 4 stars; one submission).

Allele frequency attached by ClinVar (database versions not stated): gnomAD exomes below 0.00001.
gnomAD v4.1: 1 of 1,596,164 alleles (0.000063%); highest among the groups gnomAD compares: South Asian, 0.0011%; no homozygotes.

Submission:

GeneDx
Classification: Uncertain significance. Last evaluated: 2022-08-03. Review status: criteria provided, single submitter. Criteria: GeneDx Variant Classification Process June 2021. Collection method: clinical testing. Allele origin: germline. Affected: yes.
Comment: Not observed at significant frequency in large population cohorts (gnomAD); In silico analysis supports that this missense variant has a deleterious effect on protein structure/function; Has not been previously published as pathogenic or benign to our knowledge

NM_198253.3(TERT):c.247C>G (p.Arg83Gly)

Genes: TERT (telomerase reverse transcriptase; minus strand), LOC110806263 (TERT 5' regulatory region; plus strand). Cytogenetic location: 5p15.33.
Variant type: single nucleotide variant.
Coding change: c.247C>G on transcript NM_198253.3 (MANE Select); coding-DNA position 247, C replaced by G.
Protein change: p.Arg83Gly; replaces arginine 83 with glycine.
Molecular consequence: missense variant. On other transcripts: non-coding transcript variant (2).
Genome position (GRCh38, 1-based): chr5:1,294,639, G>C on the plus strand (C>G on the coding strand, the complement: TERT is on the minus strand). VCF-style: chr5-1294639-G-C. GRCh37 (hg19) VCF-style: chr5-1294754-G-C.
Other names: c.247C>G, p.Arg83Gly (NM_001193376.3, NM_003219.1); short protein forms R83G.
Identifiers: ClinVar variation 2428898 (VCV002428898.3), dbSNP rs867642414, ClinGen allele CA359058674.